The following is an entry in ClinVar:

NM_002907.4(RECQL):c.730C>T (p.Gln244Ter)

Gene: RECQL (RecQ like helicase; minus strand). Cytogenetic location: 12p12.1.
Variant type: single nucleotide variant.
Coding change: c.730C>T on transcript NM_002907.4 (MANE Select); coding-DNA position 730, C replaced by T.
Protein change: p.Gln244Ter; replaces glutamine 244 with a stop codon.
Molecular consequence: nonsense.
Genome position (GRCh38, 1-based): chr12:21,477,940, G>A on the plus strand (C>T on the coding strand, the complement: RECQL is on the minus strand). VCF-style: chr12-21477940-G-A. GRCh37 (hg19) VCF-style: chr12-21630874-G-A.
Other names: c.730C>T, p.Gln244Ter (NM_032941.3); short protein forms Q244*.
Identifiers: ClinVar variation 1446595 (VCV001446595.8), dbSNP rs1046567727, ClinGen allele CA233571182.

ClinVar aggregate classification (germline): Uncertain significance. Review status: criteria provided, multiple submitters, no conflicts (2 of 4 stars). 2 submissions from 2 submitters: Uncertain significance (2). Last evaluated 2023-05-17.

Allele frequency attached by ClinVar (database versions not stated): gnomAD exomes below 0.00001; TOPMed below 0.00001.
gnomAD v4.1: 4 of 1,611,316 alleles (0.00025%); highest among the groups gnomAD compares: Non-Finnish European, 0.00034%; no homozygotes.

Submissions (2):

Ambry Genetics
Classification: Uncertain significance. Last evaluated: 2023-05-17. Review status: criteria provided, single submitter. Criteria: Ambry Variant Classification Scheme 2023. Collection method: clinical testing. Allele origin: germline.
Comment: The p.Q244* variant (also known as c.730C>T), located in coding exon 6 of the RECQL gene, results from a C to T substitution at nucleotide position 730. This changes the amino acid from a glutamine to a stop codon within coding exon 6. In one study, this variant was not reported in 4,536 female index patients diagnosed with breast or ovarian cancer with negative result after BRCA1 and BRCA2 testing, but was seen in 1/4576 cancer free control subjects above 40 years of age (Li N et al. Nat Genet, 2018 10;50:1346-1348). This alteration is expected to result in premature protein truncation or nonsense-mediated mRNA decay. However, the gene-disease association for RECQL is limited. Since supporting evidence is limited at this time, the clinical significance of this alteration remains unclear.

Labcorp Genetics (formerly Invitae), Labcorp
Classification: Uncertain significance. Last evaluated: 2021-05-20. Review status: criteria provided, single submitter. Criteria: Invitae Variant Classification Sherloc (09022015). Collection method: clinical testing. Allele origin: germline.
Comment: In summary, the available evidence is currently insufficient to determine the role of this variant in disease. Therefore, it has been classified as a Variant of Uncertain Significance. Algorithms developed to predict the effect of sequence changes on RNA splicing suggest that this variant may create or strengthen a splice site, but this prediction has not been confirmed by published transcriptional studies. This variant has not been reported in the literature in individuals with RECQL-related conditions. This variant is not present in population databases (ExAC no frequency). This sequence change creates a premature translational stop signal (p.Gln244*) in the RECQL gene. It is expected to result in an absent or disrupted protein product. However, the current clinical and genetic evidence is not sufficient to establish whether loss-of-function variants in RECQL cause disease.

Literature cited by the submitters: PubMed 30224651 (cited by Ambry Genetics).